The following is an entry in ClinVar:

ClinVar aggregate classification (germline): Conflicting classifications of pathogenicity. Review status: criteria provided, conflicting classifications (1 of 4 stars). 3 submissions from 3 submitters: Pathogenic (1); Uncertain significance (1). 1 of the submissions does not count toward it. Last evaluated 2025-06-06.

Conditions:
Glycogen storage disease, type VI (GSD6). Also called: Glycogen storage disease type 6; Hepatic glycogen phosphorylase deficiency; Glycogen storage disease type 6, due to phosphorylation; GSD VI; HERS DISEASE; PHOSPHORYLASE DEFICIENCY GLYCOGEN-STORAGE DISEASE OF LIVER. Identifiers: Orphanet 369, MedGen C0017925, MONDO:0009294, OMIM 232700.

Allele frequency attached by ClinVar (database versions not stated): gnomAD 0.00002; gnomAD exomes 0.00002; TOPMed 0.00002; ExAC 0.00004.
gnomAD v4.1: 28 of 1,613,894 alleles (0.0017%); highest among the groups gnomAD compares: African/African-American, 0.008%; no homozygotes.

Submissions (3):

Women's Health and Genetics/Laboratory Corporation of America, LabCorp
Classification: Uncertain significance. Last evaluated: 2025-06-06. Review status: criteria provided, single submitter. Criteria: LabCorp Variant Classification Summary - May 2015. Collection method: clinical testing. Allele origin: germline.
Comment: Variant summary: PYGL c.1471C>T (p.Arg491Cys) results in a non-conservative amino acid change in the encoded protein sequence. Algorithms developed to predict the effect of missense changes on protein structure and function all suggest that this variant is likely to be disruptive. The variant allele was found at a frequency of 2.4e-05 in 251460 control chromosomes. c.1471C>T has been reported in the literature in individuals affected with Glycogen storage disease, type VI (example: Beauchamp_2007, internal data). These data indicate that the variant may be associated with disease. To our knowledge, no experimental evidence demonstrating an impact on protein function has been reported. The following publication has been ascertained in the context of this evaluation (PMID: 17705025). ClinVar contains an entry for this variant (Variation ID: 21329). Based on the evidence outlined above, the variant was classified as VUS-possibly pathogenic.

Labcorp Genetics (formerly Invitae), Labcorp
Classification: Pathogenic for Glycogen storage disease, type VI. Last evaluated: 2022-02-20. Review status: criteria provided, single submitter. Criteria: Invitae Variant Classification Sherloc (09022015). Collection method: clinical testing. Allele origin: germline.
Comment: Algorithms developed to predict the effect of sequence changes on RNA splicing suggest that this variant may create or strengthen a splice site. For these reasons, this variant has been classified as Pathogenic. This variant disrupts the p.Arg491 amino acid residue in PYGL. Other variant(s) that disrupt this residue have been determined to be pathogenic (PMID: 33763395). This suggests that this residue is clinically significant, and that variants that disrupt this residue are likely to be disease-causing. Advanced modeling of protein sequence and biophysical properties (such as structural, functional, and spatial information, amino acid conservation, physicochemical variation, residue mobility, and thermodynamic stability) performed at Invitae indicates that this missense variant is expected to disrupt PYGL protein function. This sequence change replaces arginine, which is basic and polar, with cysteine, which is neutral and slightly polar, at codon 491 of the PYGL protein (p.Arg491Cys). This variant is present in population databases (rs113993980, gnomAD 0.007%). This missense change has been observed in individuals with clinical features of glycogen storage disease (PMID: 17705025; Invitae). ClinVar contains an entry for this variant (Variation ID: 21329).

GeneReviews
No classification provided. Condition: Glycogen storage disease, type VI. Review status: no classification provided. Collection method: literature only. Allele origin: unknown. Not counted in ClinVar's aggregate classification.

Literature cited by the submitters: PubMed 17705025 (cited by 3 submitters); PubMed 33763395 (cited by Labcorp Genetics (formerly Invitae), Labcorp); PubMed 20301760 (cited by GeneReviews); NCBI Bookshelf NBK5941 (cited by GeneReviews).

NM_002863.5(PYGL):c.1471C>T (p.Arg491Cys)

Gene: PYGL (glycogen phosphorylase L; minus strand). Cytogenetic location: 14q22.1.
Variant type: single nucleotide variant.
Coding change: c.1471C>T on transcript NM_002863.5 (MANE Select); coding-DNA position 1471, C replaced by T.
Protein change: p.Arg491Cys; replaces arginine 491 with cysteine.
Molecular consequence: missense variant.
Genome position (GRCh38, 1-based): chr14:50,914,748, G>A on the plus strand (C>T on the coding strand, the complement: PYGL is on the minus strand). VCF-style: chr14-50914748-G-A. GRCh37 (hg19) VCF-style: chr14-51381466-G-A.
Other names: c.1369C>T, p.Arg457Cys (NM_001163940.2); short protein forms R491C, R457C.
Identifiers: ClinVar variation 21329 (VCV000021329.10), dbSNP rs113993980, ClinGen allele CA341908.